The following is an entry in ClinVar:

NM_002303.6(LEPR):c.3343G>C (p.Val1115Leu)

Gene: LEPR (leptin receptor; plus strand). Cytogenetic location: 1p31.3.
Variant type: single nucleotide variant.
Coding change: c.3343G>C on transcript NM_002303.6 (MANE Select); coding-DNA position 3343, G replaced by C.
Protein change: p.Val1115Leu; replaces valine 1115 with leucine.
Molecular consequence: missense variant.
Genome position (GRCh38, 1-based): chr1:65,636,860, G>C. VCF-style: chr1-65636860-G-C. GRCh37 (hg19) VCF-style: chr1-66102543-G-C.
Other names: short protein forms V1115L.
Identifiers: ClinVar variation 4985032 (VCV004985032.1).

ClinVar aggregate classification (germline): Uncertain significance (1 of 4 stars; one submission).

Conditions:
LEPR-related disorder. Also called: LEPR-related disorders; LEPR-related condition.

gnomAD v4.1: 1 of 1,611,636 alleles (0.000062%); highest among the groups gnomAD compares: Non-Finnish European, 0.000085%; no homozygotes.

Submission:

PreventionGenetics, part of Exact Sciences
Classification: Uncertain significance for LEPR-related condition. Last evaluated: 2025-03-05. Review status: criteria provided, single submitter. Criteria: ACMG Guidelines, 2015. Collection method: clinical testing. Allele origin: germline.
Comment: The LEPR c.3343G>C variant is predicted to result in the amino acid substitution p.Val1115Leu. This variant was observed in a cohort of individuals with obesity, and in vitro functional studies showed function similar to wild-type levels (Supplemental Data Set, Shah et al. 2023. PubMed ID: 36864747). This variant was not observed in a large population database (gnomAD), indicating it is rare. At this time, the clinical significance of this variant is uncertain due to the absence of conclusive functional and genetic evidence.